The following is an entry in ClinVar:

NM_001040142.2(SCN2A):c.1484C>G (p.Ser495Cys)

Gene: SCN2A (sodium voltage-gated channel alpha subunit 2; plus strand). Cytogenetic location: 2q24.3.
Variant type: single nucleotide variant.
Coding change: c.1484C>G on transcript NM_001040142.2 (MANE Select); coding-DNA position 1484, C replaced by G.
Protein change: p.Ser495Cys; replaces serine 495 with cysteine.
Molecular consequence: missense variant.
Genome position (GRCh38, 1-based): chr2:165,315,571, C>G. VCF-style: chr2-165315571-C-G. GRCh37 (hg19) VCF-style: chr2-166172081-C-G.
Other names: c.1484C>G, p.Ser495Cys (NM_001040143.2, NM_001371247.1, NM_001371246.1 and 1 more transcripts); short protein forms S495C.
Identifiers: ClinVar variation 410981 (VCV000410981.11), dbSNP rs140661535, ClinGen allele CA16610182.

ClinVar aggregate classification (germline): Uncertain significance (1 of 4 stars; one submission).

Conditions:
Seizures, benign familial infantile, 3 (BFIS3). Also called: CONVULSIONS, BENIGN FAMILIAL INFANTILE, 3; Familial neonatal seizures. Identifiers: Orphanet 140927, Orphanet 306, MedGen C1843140, MONDO:0011904, OMIM 607745.
Developmental and epileptic encephalopathy, 11 (DEE11). Also called: Early infantile epileptic encephalopathy 11. Identifiers: Orphanet 1934, MedGen C3150987, MONDO:0013388, OMIM 613721.

Allele frequency attached by ClinVar (database versions not stated): ESP Exome Variant Server 0.00008.
gnomAD v4.1: 2 of 1,613,314 alleles (0.00012%); highest among the groups gnomAD compares: Non-Finnish European, 0.00017%; no homozygotes.

Submission:

Labcorp Genetics (formerly Invitae), Labcorp
Classification: Uncertain significance for Seizures, benign familial infantile, 3; Developmental and epileptic encephalopathy, 11. Last evaluated: 2024-10-22. Review status: criteria provided, single submitter. Criteria: Invitae Variant Classification Sherloc (09022015). Collection method: clinical testing. Allele origin: germline.
Comment: This sequence change replaces serine, which is neutral and polar, with cysteine, which is neutral and slightly polar, at codon 495 of the SCN2A protein (p.Ser495Cys). This variant is present in population databases (rs140661535, gnomAD 0.0009%). This variant has not been reported in the literature in individuals affected with SCN2A-related conditions. ClinVar contains an entry for this variant (Variation ID: 410981). Invitae Evidence Modeling of protein sequence and biophysical properties (such as structural, functional, and spatial information, amino acid conservation, physicochemical variation, residue mobility, and thermodynamic stability) indicates that this missense variant is expected to disrupt SCN2A protein function with a positive predictive value of 95%. In summary, the available evidence is currently insufficient to determine the role of this variant in disease. Therefore, it has been classified as a Variant of Uncertain Significance.